The following is an entry in ClinVar:

ClinVar aggregate classification (germline): Benign/Likely benign. Review status: criteria provided, multiple submitters, no conflicts (2 of 4 stars). 6 submissions from 6 submitters: Benign (3); Likely benign (3). Last evaluated 2026-08-01.

Conditions:
Vanishing white matter disease. Also called: CACH syndrome; Childhood ataxia with diffuse central nervous system hypomyelination; Leukoencephalopathy with vanishing white matter; CACH/VWM syndrome; Cree leukoencehalopathy. Identifiers: Orphanet 135, Orphanet 99853, MedGen C1858991, MONDO:0800448.
EIF2B5-related disorder. Also called: EIF2B5-related condition.

Allele frequency attached by ClinVar (database versions not stated): 1000 Genomes Project 0.00300; 1000 Genomes Project 30x 0.00328; TOPMed 0.00359; ESP Exome Variant Server 0.00454; gnomAD 0.00569 and 0.00583; gnomAD exomes 0.00661 and 0.00777; ExAC 0.00671.
gnomAD v4.1: 12,182 of 1,614,030 alleles (0.75%); highest among the groups gnomAD compares: Non-Finnish European, 0.81%; 83 homozygotes.

Submissions (6):

CeGaT Center for Human Genetics Tuebingen
Classification: Likely benign. Last evaluated: 2026-08-01. Review status: criteria provided, single submitter. Criteria: CeGaT Center For Human Genetics Tuebingen Variant Classification Criteria Version 2. Collection method: clinical testing. Allele origin: germline. Affected: yes. Observed: 30 variant alleles.
Comment: EIF2B5: BS2

Labcorp Genetics (formerly Invitae), Labcorp
Classification: Benign. Last evaluated: 2026-02-02. Review status: criteria provided, single submitter. Criteria: Invitae Variant Classification Sherloc (09022015). Collection method: clinical testing. Allele origin: germline.

PreventionGenetics, part of Exact Sciences
Classification: Benign for EIF2B5-related condition. Last evaluated: 2024-12-04. Review status: criteria provided, single submitter. Criteria: ACMG Guidelines, 2015. Collection method: clinical testing. Allele origin: germline.
Comment: This variant is classified as benign based on ACMG/AMP sequence variant interpretation guidelines (Richards et al. 2015 PMID: 25741868, with internal and published modifications).

Blueprint Genetics
Classification: Likely benign. Last evaluated: 2024-11-22. Review status: criteria provided, single submitter. Criteria: ACMG Guidelines, 2015. Collection method: clinical testing. Allele origin: germline.

Mayo Clinic Laboratories, Mayo Clinic
Classification: Benign. Last evaluated: 2023-08-29. Review status: criteria provided, single submitter. Criteria: ACMG Guidelines, 2015. Collection method: clinical testing. Allele origin: germline. Observed: 6 variant alleles.
Comment: BS1, BS2

Illumina Laboratory Services, Illumina
Classification: Likely benign for Leukoencephalopathy with vanishing white matter 1. Last evaluated: 2018-01-12. Review status: criteria provided, single submitter. Criteria: ICSL Variant Classification Criteria 13 December 2019. Collection method: clinical testing. Allele origin: germline.
Comment: This variant was observed in the ICSL laboratory as part of a predisposition screen in an ostensibly healthy population. It had not been previously curated by ICSL or reported in the Human Gene Mutation Database (HGMD: prior to June 1st, 2018), and was therefore a candidate for classification through an automated scoring system. Utilizing variant allele frequency, disease prevalence and penetrance estimates, and inheritance mode, an automated score was calculated to assess if this variant is too frequent to cause the disease. Based on the score and internal cut-off values, a variant classified as likely benign is not then subjected to further curation. The score for this variant resulted in a classification of likely benign for this disease.

NM_003907.3(EIF2B5):c.1341G>A (p.Ser447=)

Gene: EIF2B5 (eukaryotic translation initiation factor 2B subunit epsilon; plus strand). Cytogenetic location: 3q27.1.
Variant type: single nucleotide variant.
Coding change: c.1341G>A on transcript NM_003907.3 (MANE Select); coding-DNA position 1341, G replaced by A.
Protein change: p.Ser447=; no amino-acid change (serine 447 retained).
Molecular consequence: synonymous variant.
Genome position (GRCh38, 1-based): chr3:184,142,275, G>A. VCF-style: chr3-184142275-G-A. GRCh37 (hg19) VCF-style: chr3-183860063-G-A.
Other names: p.Ser447=.
Identifiers: ClinVar variation 344335 (VCV000344335.51), dbSNP rs138857267, ClinGen allele CA2726664.